The following is an entry in ClinVar:

ClinVar aggregate classification (germline): Uncertain significance (1 of 4 stars; one submission).

Conditions:
Familial adenomatous polyposis 1 (FAP1). Also called: FAMILIAL ADENOMATOUS POLYPOSIS 1, ATTENUATED; POLYPOSIS, ADENOMATOUS INTESTINAL. Identifiers: MedGen C2713442, MONDO:0021056, OMIM 175100. Disease mechanism: loss of function.

Submission:

Labcorp Genetics (formerly Invitae), Labcorp
Classification: Uncertain significance for Familial adenomatous polyposis 1. Last evaluated: 2025-01-29. Review status: criteria provided, single submitter. Criteria: Invitae Variant Classification Sherloc (09022015). Collection method: clinical testing. Allele origin: germline.
Comment: This variant occurs in a non-coding region of the APC gene. It does not change the encoded amino acid sequence of the APC protein. This variant is not present in population databases (gnomAD no frequency). This variant has not been reported in the literature in individuals affected with APC-related conditions. Experimental studies and prediction algorithms are not available or were not evaluated, and the functional significance of this variant is currently unknown. In summary, the available evidence is currently insufficient to determine the role of this variant in disease. Therefore, it has been classified as a Variant of Uncertain Significance.

NC_000005.10:g.112707474G>T

Gene: APC (APC regulator of Wnt signaling pathway; plus strand). Cytogenetic location: 5q22.2.
Variant type: single nucleotide variant.
Genome position: GRCh38 VCF-style: chr5-112707474-G-T. GRCh37 (hg19) VCF-style: chr5-112043171-G-T.
Identifiers: ClinVar variation 4692671 (VCV004692671.1).